The following is an entry in ClinVar:

NM_024301.5(FKRP):c.1021T>A (p.Trp341Arg)

Gene: FKRP (fukutin related protein; plus strand). Cytogenetic location: 19q13.32.
Variant type: single nucleotide variant.
Coding change: c.1021T>A on transcript NM_024301.5 (MANE Select); coding-DNA position 1021, T replaced by A.
Protein change: p.Trp341Arg; replaces tryptophan 341 with arginine.
Molecular consequence: missense variant.
Genome position (GRCh38, 1-based): chr19:46,756,471, T>A. VCF-style: chr19-46756471-T-A. GRCh37 (hg19) VCF-style: chr19-47259728-T-A.
Other names: c.1021T>A, p.Trp341Arg (NM_001039885.3); short protein forms W341R.
Identifiers: ClinVar variation 3252529 (VCV003252529.2), dbSNP rs2513995640.
Genomic context (GRCh38, chr19:46,756,471, plus strand): 5'-GCGCTGCGCGAGACCGCCCGCTATGTGGTGGGCGTGCTGGAGGCTGCGGGCGTGCGCTAC[T>A]GGCTCGAGGGCGGCTCACTGCTGGGGGCCGCCCGCCACGGGGACATCATCCCATGGGACT-3'
Protein context (NP_077277.1, residues 331-351): GVLEAAGVRY[Trp341Arg]LEGGSLLGAA

ClinVar aggregate classification (germline): Likely pathogenic (1 of 4 stars; one submission).

Submission:

GeneDx
Classification: Likely pathogenic. Last evaluated: 2026-08-05. Review status: criteria provided, single submitter. Criteria: GeneDx Variant Classification Process June 2021. Collection method: clinical testing. Allele origin: germline.
Comment: Not observed at significant frequency in large population cohorts (gnomAD); Missense variants in this gene are a common cause of disease and they are underrepresented in the general population; In silico analysis supports that this missense variant has a deleterious effect on protein structure/function; Has not been previously published as pathogenic or benign to our knowledge; This variant is associated with the following publications: (PMID: 27439679)